The following is an entry in ClinVar:

ClinVar aggregate classification (germline): Uncertain significance (1 of 4 stars; one submission).

Submission:

Labcorp Genetics (formerly Invitae), Labcorp
Classification: Uncertain significance. Last evaluated: 2022-02-24. Review status: criteria provided, single submitter. Criteria: Invitae Variant Classification Sherloc (09022015). Collection method: clinical testing. Allele origin: germline.
Comment: This variant is not present in population databases (gnomAD no frequency). In summary, the available evidence is currently insufficient to determine the role of this variant in disease. Therefore, it has been classified as a Variant of Uncertain Significance. Algorithms developed to predict the effect of missense changes on protein structure and function are either unavailable or do not agree on the potential impact of this missense change (SIFT: "Deleterious"; PolyPhen-2: "Benign"; Align-GVGD: "Class C0"). This variant has not been reported in the literature in individuals affected with ADGRV1-related conditions. This sequence change replaces glycine, which is neutral and non-polar, with valine, which is neutral and non-polar, at codon 1279 of the ADGRV1 protein (p.Gly1279Val).

NM_032119.4(ADGRV1):c.3836G>T (p.Gly1279Val)

Gene: ADGRV1 (adhesion G protein-coupled receptor V1; plus strand). Cytogenetic location: 5q14.3.
Variant type: single nucleotide variant.
Coding change: c.3836G>T on transcript NM_032119.4 (MANE Select); coding-DNA position 3836, G replaced by T.
Protein change: p.Gly1279Val; replaces glycine 1279 with valine.
Molecular consequence: missense variant. On other transcripts: non-coding transcript variant (1).
Genome position (GRCh38, 1-based): chr5:90,653,410, G>T. VCF-style: chr5-90653410-G-T. GRCh37 (hg19) VCF-style: chr5-89949227-G-T.
Other names: short protein forms G1279V.
Identifiers: ClinVar variation 1520810 (VCV001520810.8), dbSNP rs2149466691, ClinGen allele CA360399250.